The following is an entry in ClinVar:

NM_015046.7(SETX):c.499-7C>T

Gene: SETX (senataxin; minus strand). Cytogenetic location: 9q34.13.
Variant type: single nucleotide variant.
Coding change: c.499-7C>T on transcript NM_015046.7 (MANE Select); 7 bases into the intron before coding-DNA position 499, C replaced by T.
Molecular consequence: intron variant.
Genome position (GRCh38, 1-based): chr9:132,336,522, G>A on the plus strand (C>T on the coding strand, the complement: SETX is on the minus strand). VCF-style: chr9-132336522-G-A. GRCh37 (hg19) VCF-style: chr9-135211909-G-A.
Other names: c.499-7C>T (NM_001351528.2, NM_001351527.2).
Identifiers: ClinVar variation 4682153 (VCV004682153.1).

ClinVar aggregate classification (germline): Uncertain significance (1 of 4 stars; one submission).

Submission:

Athena Diagnostics
Classification: Uncertain significance. Last evaluated: 2025-01-17. Review status: criteria provided, single submitter. Criteria: Athena Diagnostics Criteria. Collection method: clinical testing. Allele origin: unknown.
Comment: Available data are insufficient to determine the clinical significance of the variant at this time. The frequency of this variant in the general population is uninformative in assessment of its pathogenicity. Computational tools yielded predictions that this variant is unlikely to have an effect on normal RNA splicing.